The following is an entry in ClinVar:

NM_004621.6(TRPC6):c.2296C>G (p.Leu766Val)

Gene: TRPC6 (transient receptor potential cation channel subfamily C member 6; minus strand). Cytogenetic location: 11q22.1.
Variant type: single nucleotide variant.
Coding change: c.2296C>G on transcript NM_004621.6 (MANE Select); coding-DNA position 2296, C replaced by G.
Protein change: p.Leu766Val; replaces leucine 766 with valine.
Molecular consequence: missense variant.
Genome position (GRCh38, 1-based): chr11:101,471,296, G>C on the plus strand (C>G on the coding strand, the complement: TRPC6 is on the minus strand). VCF-style: chr11-101471296-G-C. GRCh37 (hg19) VCF-style: chr11-101342027-G-C.
Other names: c.2296C>G (NM_004621.5); short protein forms L766V.
Identifiers: ClinVar variation 1038546 (VCV001038546.10), dbSNP rs201466403, ClinGen allele CA6244159.

ClinVar aggregate classification (germline): Uncertain significance. Review status: criteria provided, multiple submitters, no conflicts (2 of 4 stars). 3 submissions from 3 submitters: Uncertain significance (3). Last evaluated 2022-06-13.

Conditions:
Inborn genetic diseases. Identifiers: MedGen C0950123, MeSH D030342.
Focal segmental glomerulosclerosis 2 (FSGS2). Identifiers: Orphanet 656, MedGen C1858915, MONDO:0011390, OMIM 603965.

Allele frequency attached by ClinVar (database versions not stated): ExAC 0.00001; gnomAD 0.00002 and 0.00003; gnomAD exomes 0.00002 and 0.00003; TOPMed 0.00004.
gnomAD v4.1: 52 of 1,613,864 alleles (0.0032%); highest among the groups gnomAD compares: Admixed American, 0.005%; no homozygotes.

Submissions (3):

Ambry Genetics
Classification: Uncertain significance for Inborn genetic diseases. Last evaluated: 2022-06-13. Review status: criteria provided, single submitter. Criteria: Ambry Variant Classification Scheme 2023. Collection method: clinical testing. Allele origin: germline.

Fulgent Genetics
Classification: Uncertain significance for Focal segmental glomerulosclerosis 2. Last evaluated: 2021-12-16. Review status: criteria provided, single submitter. Criteria: ACMG Guidelines, 2015. Collection method: clinical testing. Allele origin: unknown.

Labcorp Genetics (formerly Invitae), Labcorp
Classification: Uncertain significance. Last evaluated: 2020-10-13. Review status: criteria provided, single submitter. Criteria: Invitae Variant Classification Sherloc (09022015). Collection method: clinical testing. Allele origin: germline.
Comment: This sequence change replaces leucine with valine at codon 766 of the TRPC6 protein (p.Leu766Val). The leucine residue is highly conserved and there is a small physicochemical difference between leucine and valine. This variant is present in population databases (rs201466403, ExAC 0.001%). This variant has not been reported in the literature in individuals with TRPC6-related conditions. Algorithms developed to predict the effect of missense changes on protein structure and function are either unavailable or do not agree on the potential impact of this missense change (SIFT: "Deleterious"; PolyPhen-2: "Probably Damaging"; Align-GVGD: "Class C0"). In summary, the available evidence is currently insufficient to determine the role of this variant in disease. Therefore, it has been classified as a Variant of Uncertain Significance.